The following is an entry in ClinVar:

ClinVar aggregate classification (germline): Uncertain significance. Review status: criteria provided, multiple submitters, no conflicts (2 of 4 stars). 2 submissions from 2 submitters: Uncertain significance (2). Last evaluated 2024-05-23.

Conditions:
Congenital adrenal hyperplasia due to cytochrome P450 oxidoreductase deficiency. Also called: DISORDERED STEROIDOGENESIS DUE TO POR DEFICIENCY. Identifiers: Orphanet 95699, MedGen C1860042, MONDO:0013310, OMIM 613571.

Allele frequency attached by ClinVar (database versions not stated): gnomAD exomes 0.00002; gnomAD 0.00003; TOPMed 0.00003; ExAC 0.00004.
gnomAD v4.1: 26 of 1,566,532 alleles (0.0017%); highest among the groups gnomAD compares: Non-Finnish European, 0.0022%; no homozygotes.

Submissions (2):

Labcorp Genetics (formerly Invitae), Labcorp
Classification: Uncertain significance for Congenital adrenal hyperplasia due to cytochrome P450 oxidoreductase deficiency. Last evaluated: 2024-05-23. Review status: criteria provided, single submitter. Criteria: Invitae Variant Classification Sherloc (09022015). Collection method: clinical testing. Allele origin: germline.
Comment: This sequence change replaces arginine, which is basic and polar, with glycine, which is neutral and non-polar, at codon 587 of the POR protein (p.Arg587Gly). This variant is present in population databases (rs781795917, gnomAD 0.005%). This variant has not been reported in the literature in individuals affected with POR-related conditions. ClinVar contains an entry for this variant (Variation ID: 360716). Advanced modeling of protein sequence and biophysical properties (such as structural, functional, and spatial information, amino acid conservation, physicochemical variation, residue mobility, and thermodynamic stability) performed at Invitae indicates that this missense variant is not expected to disrupt POR protein function with a negative predictive value of 80%. In summary, the available evidence is currently insufficient to determine the role of this variant in disease. Therefore, it has been classified as a Variant of Uncertain Significance.

Illumina Laboratory Services, Illumina
Classification: Uncertain significance for Congenital adrenal hyperplasia due to cytochrome P450 oxidoreductase deficiency. Last evaluated: 2018-01-12. Review status: criteria provided, single submitter. Criteria: ICSL Variant Classification Criteria 13 December 2019. Collection method: clinical testing. Allele origin: germline.

NM_001395413.1(POR):c.1750A>G (p.Arg584Gly)

Gene: POR (cytochrome p450 oxidoreductase; plus strand). Cytogenetic location: 7q11.23.
Variant type: single nucleotide variant.
Coding change: c.1750A>G on transcript NM_001395413.1 (MANE Select); coding-DNA position 1750, A replaced by G.
Protein change: p.Arg584Gly; replaces arginine 584 with glycine.
Molecular consequence: missense variant.
Genome position (GRCh38, 1-based): chr7:75,986,012, A>G. VCF-style: chr7-75986012-A-G. GRCh37 (hg19) VCF-style: chr7-75615330-A-G.
Other names: c.1750A>G, p.Arg584Gly (NM_001367562.3, NM_001382657.2, NM_001382658.3 and 1 more transcripts); c.1804A>G, p.Arg602Gly (NM_001382655.3); c.1600A>G, p.Arg534Gly (NM_001382662.3); short protein forms R534G, R584G, R602G.
Identifiers: ClinVar variation 360716 (VCV000360716.8), dbSNP rs781795917, ClinGen allele CA4304269.